The following is an entry in ClinVar:

NM_001042413.2(GLIS3):c.2474G>C (p.Gly825Ala)

Gene: GLIS3 (GLIS family zinc finger 3; minus strand). Cytogenetic location: 9p24.2.
Variant type: single nucleotide variant.
Coding change: c.2474G>C on transcript NM_001042413.2 (MANE Select); coding-DNA position 2474, G replaced by C.
Protein change: p.Gly825Ala; replaces glycine 825 with alanine.
Molecular consequence: missense variant.
Genome position (GRCh38, 1-based): chr9:3,829,492, C>G on the plus strand (G>C on the coding strand, the complement: GLIS3 is on the minus strand). VCF-style: chr9-3829492-C-G. GRCh37 (hg19) VCF-style: chr9-3829492-C-G.
Other names: c.2009G>C, p.Gly670Ala (NM_152629.4); short protein forms G670A, G825A.
Identifiers: ClinVar variation 1961624 (VCV001961624.6), dbSNP rs200644293, ClinGen allele CA4967744.

ClinVar aggregate classification (germline): Uncertain significance. Review status: criteria provided, multiple submitters, no conflicts (2 of 4 stars). 2 submissions from 2 submitters: Uncertain significance (2). Last evaluated 2024-02-28.

Conditions:
Neonatal diabetes mellitus with congenital hypothyroidism. Also called: NDH SYNDROME. Identifiers: Orphanet 79118, MedGen C1857775, MONDO:0012436, OMIM 610199.

Allele frequency attached by ClinVar (database versions not stated): TOPMed below 0.00001; gnomAD 0.00003; ExAC 0.00005.
gnomAD v4.1: 23 of 1,613,898 alleles (0.0014%); highest among the groups gnomAD compares: Non-Finnish European, 0.00076%; no homozygotes.

Submissions (2):

Fulgent Genetics
Classification: Uncertain significance for Neonatal diabetes mellitus with congenital hypothyroidism. Last evaluated: 2024-02-28. Review status: criteria provided, single submitter. Criteria: ACMG Guidelines, 2015. Collection method: clinical testing. Allele origin: germline.

Labcorp Genetics (formerly Invitae), Labcorp
Classification: Uncertain significance. Last evaluated: 2022-04-20. Review status: criteria provided, single submitter. Criteria: Invitae Variant Classification Sherloc (09022015). Collection method: clinical testing. Allele origin: germline.
Comment: This variant has not been reported in the literature in individuals affected with GLIS3-related conditions. This sequence change replaces glycine, which is neutral and non-polar, with alanine, which is neutral and non-polar, at codon 670 of the GLIS3 protein (p.Gly670Ala). This variant is present in population databases (rs200644293, gnomAD 0.03%). Algorithms developed to predict the effect of missense changes on protein structure and function (SIFT, PolyPhen-2, Align-GVGD) all suggest that this variant is likely to be disruptive. Algorithms developed to predict the effect of sequence changes on RNA splicing suggest that this variant may disrupt the consensus splice site. In summary, the available evidence is currently insufficient to determine the role of this variant in disease. Therefore, it has been classified as a Variant of Uncertain Significance.